The following is an entry in ClinVar:

NM_017534.6(MYH2):c.3766C>T (p.Arg1256Trp)

Genes: MYH2 (myosin heavy chain 2; minus strand), MYHAS (myosin heavy chain gene cluster antisense RNA; plus strand). Cytogenetic location: 17p13.1.
Variant type: single nucleotide variant.
Coding change: c.3766C>T on transcript NM_017534.6 (MANE Select); coding-DNA position 3766, C replaced by T.
Protein change: p.Arg1256Trp; replaces arginine 1256 with tryptophan.
Molecular consequence: missense variant.
Genome position (GRCh38, 1-based): chr17:10,527,853, G>A on the plus strand (C>T on the coding strand, the complement: MYH2 is on the minus strand). VCF-style: chr17-10527853-G-A. GRCh37 (hg19) VCF-style: chr17-10431170-G-A.
Other names: c.3766C>T, p.Arg1256Trp (NM_001100112.2); short protein forms R1256W.
Identifiers: ClinVar variation 3627478 (VCV003627478.2).
Genomic context (GRCh38, chr17:10,527,853, plus strand): 5'-TCAGCCGCTGCTGCTCCTCTTCCTTTGATTTCAGTTCACTCAGTTGGTCCTCTAGAGTCC[G>A]GCACATTTTCTCTAGGTTTCCCTATAGAAGAAAAAGTAAAAGAAGAAAACAGAGACCTTT-3'
Protein context (NP_060004.3, residues 1246-1266): KAKGNLEKMC[Arg1256Trp]TLEDQLSELK

ClinVar aggregate classification (germline): Uncertain significance (1 of 4 stars; one submission).

Conditions:
Myopathy, proximal, and ophthalmoplegia (CMYO6). Also called: MYOPATHY WITH CONGENITAL JOINT CONTRACTURES, OPHTHALMOPLEGIA, AND RIMMED VACUOLES; CONGENITAL MYOPATHY 6 WITH OPHTHALMOPLEGIA; INCLUSION BODY MYOPATHY 3, AUTOSOMAL DOMINANT. Identifiers: Orphanet 363677, Orphanet 79091, MedGen C1854106, MONDO:0011577, OMIM 605637.

Submission:

Labcorp Genetics (formerly Invitae), Labcorp
Classification: Uncertain significance for Myopathy, proximal, and ophthalmoplegia. Last evaluated: 2024-08-08. Review status: criteria provided, single submitter. Criteria: Invitae Variant Classification Sherloc (09022015). Collection method: clinical testing. Allele origin: germline.
Comment: This sequence change replaces arginine, which is basic and polar, with tryptophan, which is neutral and slightly polar, at codon 1256 of the MYH2 protein (p.Arg1256Trp). This variant is not present in population databases (gnomAD no frequency). This variant has not been reported in the literature in individuals affected with MYH2-related conditions. Advanced modeling of protein sequence and biophysical properties (such as structural, functional, and spatial information, amino acid conservation, physicochemical variation, residue mobility, and thermodynamic stability) performed at Invitae indicates that this missense variant is expected to disrupt MYH2 protein function with a positive predictive value of 80%. In summary, the available evidence is currently insufficient to determine the role of this variant in disease. Therefore, it has been classified as a Variant of Uncertain Significance.